The following is an entry in ClinVar:

NM_198578.4(LRRK2):c.5237C>A (p.Ala1746Asp)

Gene: LRRK2 (leucine rich repeat kinase 2; plus strand). Cytogenetic location: 12q12.
Variant type: single nucleotide variant.
Coding change: c.5237C>A on transcript NM_198578.4 (MANE Select); coding-DNA position 5237, C replaced by A.
Protein change: p.Ala1746Asp; replaces alanine 1746 with aspartic acid.
Molecular consequence: missense variant.
Genome position (GRCh38, 1-based): chr12:40,322,101, C>A. VCF-style: chr12-40322101-C-A. GRCh37 (hg19) VCF-style: chr12-40715903-C-A.
Other names: short protein forms A1746D.
Identifiers: ClinVar variation 2585152 (VCV002585152.1), dbSNP rs1185820873, ClinGen allele CA384420304.
Genomic context (GRCh38, chr12:40,322,101, plus strand): 5'-CACTTCGCCCAAACAGAATGTATTGGCGACAAGGCATTTACTTAAATTGGTCTCCTGAAG[C>A]TTATTGTCTGGTAGGATCTGAAGTCTTAGACAATCATCCAGAGAGTTTCTTAAAAATTAC-3'
Protein context (NP_940980.4, residues 1736-1756): QGIYLNWSPE[Ala1746Asp]YCLVGSEVLD

ClinVar aggregate classification (germline): Uncertain significance (1 of 4 stars; one submission).

Conditions:
Autosomal dominant Parkinson disease 8. Also called: Parkinson disease 8, susceptibility to; LRRK2-Related Parkinson Disease; Parkinson disease 8. Identifiers: Orphanet 411602, MedGen C1846862, MONDO:0011764, OMIM 607060.

Submission:

Neuberg Centre For Genomic Medicine, NCGM
Classification: Uncertain significance for Autosomal dominant Parkinson disease 8. Review status: criteria provided, single submitter. Criteria: ACMG Guidelines, 2015. Collection method: clinical testing. Allele origin: germline. Inheritance: Autosomal dominant inheritance. Affected: yes.
Comment: The missense c.5237C>A (p.Ala1746Asp) variant in LRRK2 gene has not been reported previously as a pathogenic variant nor as a benign variant, to our knowledge. The variant is novel (not in any individuals) in gnomAD Exomes and 1000 Genomes. The amino acid Ala at position 1746 is changed to a Asp changing protein sequence and it might alter its composition and physico-chemical properties. The amino acid change p.Ala1746Asp in LRRK2 is predicted as conserved by GERP++ and PhyloP across 100 vertebrates. For these reasons, this variant has been classified as Uncertain Significance..